The following is an entry in ClinVar:

NM_001754.5(RUNX1):c.1062C>T (p.Thr354=)

Gene: RUNX1 (RUNX family transcription factor 1; minus strand). Cytogenetic location: 21q22.12.
Variant type: single nucleotide variant.
Coding change: c.1062C>T on transcript NM_001754.5 (MANE Select); coding-DNA position 1062, C replaced by T.
Protein change: p.Thr354=; no amino-acid change (threonine 354 retained).
Molecular consequence: synonymous variant.
Genome position (GRCh38, 1-based): chr21:34,792,516, G>A on the plus strand (C>T on the coding strand, the complement: RUNX1 is on the minus strand). VCF-style: chr21-34792516-G-A. GRCh37 (hg19) VCF-style: chr21-36164813-G-A.
Other names: NM_001754.5(RUNX1):c.1062C>T; p.Thr354=; c.981C>T, p.Thr327= (NM_001001890.3).
Identifiers: ClinVar variation 4158191 (VCV004158191.2).
Genomic context (GRCh38, chr21:34,792,516, plus strand): 5'-GGCCGAGCCCATGGCCGACATGCCGATGCCGATGCCCGAGGTGACCGGCGTCGGGGAGTA[G>A]GTGAAGGCGCCTGGATAGTGCATGCGGGGGTCGGAGATGGAGGGCAGCGCGGGGAACTGG-3'
Protein context (NP_001745.2, residues 344-364): DPRMHYPGAF[Thr354=]YSPTPVTSGI

ClinVar aggregate classification (germline): Likely benign. Review status: reviewed by expert panel (3 of 4 stars). 2 submissions from 2 submitters: Likely benign (1). 1 of the submissions does not count toward it. Last evaluated 2026-06-01.

Conditions:
Hereditary thrombocytopenia and hematologic cancer predisposition syndrome. Identifiers: Orphanet 71290, MedGen CN281654, MONDO:0011071.
Inborn genetic diseases. Identifiers: MedGen C0950123, MeSH D030342.

gnomAD v4.1: 3 of 1,604,066 alleles (0.00019%); highest among the groups gnomAD compares: South Asian, 0.0011%; no homozygotes.

Submissions (2):

ClinGen Myeloid Malignancy Variant Curation Expert Panel
Classification: Likely benign for Hereditary thrombocytopenia and hematologic cancer predisposition syndrome. Last evaluated: 2026-06-01. Review status: reviewed by expert panel. Criteria: ClinGen MyeloMalig ACMG Specifications V3.1. Collection method: curation. Allele origin: germline. Inheritance: Autosomal dominant inheritance.
Comment: NM_001754.5(RUNX1):c.1062C>T (p.Thr354=) is a synonymous variant which is completely absent from all population databases with at least 20x coverage for RUNX1 (PM2_Supporting) and has a SpliceAI score ≤0.20 (0.0) (BP4, BP7). In summary, this variant meets criteria to be classified as likely benign. ACMG/AMP criteria applied, as specified by the Myeloid Malignancy Variant Curation Expert Panel for RUNX1: PM2_Supporting, BP4, BP7.

Ambry Genetics
Classification: Likely benign for Inborn genetic diseases. Last evaluated: 2025-06-28. Review status: criteria provided, single submitter. Criteria: Ambry Variant Classification Scheme 2023. Collection method: clinical testing. Allele origin: germline. Not counted in ClinVar's aggregate classification.